The following is an entry in ClinVar:

ClinVar aggregate classification (germline): Likely benign. Review status: criteria provided, multiple submitters, no conflicts (2 of 4 stars). 3 submissions from 3 submitters: Likely benign (2). 1 of the submissions does not count toward it. Last evaluated 2025-12-24.

Conditions:
GLI2-related disorder. Also called: GLI2-related disorders; GLI2-related condition.
Holoprosencephaly 9 (HPE9). Also called: HOLOPROSENCEPHALY WITH MICROPHTHALMIA AND FIRST BRANCHIAL ARCH ANOMALIES; PITUITARY ANOMALIES WITH HOLOPROSENCEPHALY-LIKE FEATURES. Identifiers: Orphanet 2162, MedGen C1835819, MONDO:0012563, OMIM 610829.
Postaxial polydactyly-anterior pituitary anomalies-facial dysmorphism syndrome. Also called: Culler-Jones syndrome. Identifiers: Orphanet 420584, MedGen C4014479, MONDO:0014369, OMIM 615849.

Allele frequency attached by ClinVar (database versions not stated): gnomAD exomes 0.00014 and 0.00007; ExAC 0.00020; TOPMed 0.00070; 1000 Genomes Project 30x 0.00047; gnomAD 0.00068 and 0.00074; ESP Exome Variant Server 0.00008; 1000 Genomes Project 0.00060.
gnomAD v4.1: 224 of 1,604,338 alleles (0.014%); highest among the groups gnomAD compares: African/African-American, 0.25%; no homozygotes.

Submissions (3):

Women's Health and Genetics/Laboratory Corporation of America, LabCorp
Classification: Likely benign. Last evaluated: 2025-12-24. Review status: criteria provided, single submitter. Criteria: LabCorp Variant Classification Summary - May 2015. Collection method: clinical testing. Allele origin: germline.
Comment: Variant summary: GLI2 c.4124T>C (p.Leu1375Pro) results in a non-conservative amino acid change in the encoded protein sequence. Algorithms developed to predict the effect of missense changes on protein structure and function are either unavailable or do not agree on the potential impact of this missense change. The variant allele was found at a frequency of 0.00014 in 233946 control chromosomes, predominantly at a frequency of 0.0019 within the African or African-American subpopulation in the gnomAD database. The observed variant frequency within African or African-American control individuals in the gnomAD database exceeds the estimated maximal expected allele frequency for disease-causing variants in GLI2. To our knowledge, no occurrence of c.4124T>C in individuals affected with GLI2-related conditions and no experimental evidence demonstrating its impact on protein function have been reported. ClinVar contains an entry for this variant (Variation ID: 772630). Based on the evidence outlined above, the variant was classified as likely benign.

Labcorp Genetics (formerly Invitae), Labcorp
Classification: Likely benign for Postaxial polydactyly-anterior pituitary anomalies-facial dysmorphism syndrome; Holoprosencephaly 9. Last evaluated: 2025-07-14. Review status: criteria provided, single submitter. Criteria: Invitae Variant Classification Sherloc (09022015). Collection method: clinical testing. Allele origin: germline.

PreventionGenetics, part of Exact Sciences
Classification: Likely benign for GLI2-related condition. Last evaluated: 2023-06-06. Review status: no assertion criteria provided. Collection method: clinical testing. Allele origin: germline. Not counted in ClinVar's aggregate classification.
Comment: This variant is classified as likely benign based on ACMG/AMP sequence variant interpretation guidelines (Richards et al. 2015 PMID: 25741868, with internal and published modifications).

NM_001374353.1(GLI2):c.4073T>C (p.Leu1358Pro)

Gene: GLI2 (GLI family zinc finger 2; plus strand). Cytogenetic location: 2q14.2.
Variant type: single nucleotide variant.
Coding change: c.4073T>C on transcript NM_001374353.1 (MANE Select); coding-DNA position 4073, T replaced by C.
Protein change: p.Leu1358Pro; replaces leucine 1358 with proline.
Molecular consequence: missense variant.
Genome position (GRCh38, 1-based): chr2:120,990,038, T>C. VCF-style: chr2-120990038-T-C. GRCh37 (hg19) VCF-style: chr2-121747614-T-C.
Other names: c.4124T>C, p.Leu1375Pro (NM_001371271.1, NM_005270.5); c.3698T>C, p.Leu1233Pro (NM_001374354.1); short protein forms L1358P, L1375P, L1233P.
Identifiers: ClinVar variation 772630 (VCV000772630.9), dbSNP rs371219507, ClinGen allele CA1852545.
Genomic context (GRCh38, chr2:120,990,038, plus strand): 5'-AAACAGGCCCGATGGGGGTGGCTACAGCAGGCTTTGGCCTAGTGCAGCCCCGGCCTCCCC[T>C]CGAGCCCAGCCCCACTGGCCGCCACCGTGGGGTACGTGCTGTGCAGCAGCAGCTGGCCTA-3'
Protein context (NP_001361282.1, residues 1348-1368): GFGLVQPRPP[Leu1358Pro]EPSPTGRHRG